The following is an entry in ClinVar:

NM_001042603.3(KDM5A):c.3779C>T (p.Ala1260Val)

Genes: KDM5A (lysine demethylase 5A; minus strand), LOC126861410 (BRD4-independent group 4 enhancer GRCh37_chr12:415875-417074; plus strand). Cytogenetic location: 12p13.33.
Variant type: single nucleotide variant.
Coding change: c.3779C>T on transcript NM_001042603.3 (MANE Select); coding-DNA position 3779, C replaced by T.
Protein change: p.Ala1260Val; replaces alanine 1260 with valine.
Molecular consequence: missense variant.
Genome position (GRCh38, 1-based): chr12:307,605, G>A on the plus strand (C>T on the coding strand, the complement: KDM5A is on the minus strand). VCF-style: chr12-307605-G-A. GRCh37 (hg19) VCF-style: chr12-416771-G-A.
Other names: short protein forms A1260V.
Identifiers: ClinVar variation 2456643 (VCV002456643.4), dbSNP rs368978249, ClinGen allele CA6378733.

ClinVar aggregate classification (germline): Uncertain significance. Review status: criteria provided, multiple submitters, no conflicts (2 of 4 stars). 2 submissions from 2 submitters: Uncertain significance (2). Last evaluated 2025-10-06.

Allele frequency attached by ClinVar (database versions not stated): 1000 Genomes Project 30x 0.00016; ExAC 0.00006; ESP Exome Variant Server 0.00008; gnomAD exomes 0.00002; 1000 Genomes Project 0.00020; gnomAD 0.00021; TOPMed 0.00031.
gnomAD v4.1: 66 of 1,614,142 alleles (0.0041%); highest among the groups gnomAD compares: African/African-American, 0.059%; no homozygotes.

Submissions (2):

Ambry Genetics
Classification: Uncertain significance. Last evaluated: 2025-10-06. Review status: criteria provided, single submitter. Criteria: Ambry Variant Classification Scheme 2023. Collection method: clinical testing. Allele origin: germline.

GeneDx
Classification: Uncertain significance. Last evaluated: 2024-12-18. Review status: criteria provided, single submitter. Criteria: GeneDx Variant Classification Process June 2021. Collection method: clinical testing. Allele origin: germline. Affected: yes.
Comment: In silico analysis indicates that this missense variant does not alter protein structure/function; Has not been previously published as pathogenic or benign to our knowledge